The following is an entry in ClinVar:

ClinVar aggregate classification (germline): Pathogenic (1 of 4 stars; one submission).

Conditions:
Autosomal recessive polycystic kidney disease (ARPKD). Also called: AR polycystic kidney disease. Identifiers: Orphanet 731, Orphanet 8378, MedGen C0085548, MeSH D017044, MONDO:0009889.

Submission:

Labcorp Genetics (formerly Invitae), Labcorp
Classification: Pathogenic for Autosomal recessive polycystic kidney disease. Last evaluated: 2020-12-24. Review status: criteria provided, single submitter. Criteria: Invitae Variant Classification Sherloc (09022015). Collection method: clinical testing. Allele origin: germline.
Comment: For these reasons, this variant has been classified as Pathogenic. This variant has not been reported in the literature in individuals with PKHD1-related conditions. This variant is a gross deletion of the genomic region encompassing exon(s) 54-55 of the PKHD1 gene. This deletion is out-of-frame, and is expected to create a premature translational stop signal and result in an absent or disrupted protein product. Loss-of-function variants in PKHD1 are known to be pathogenic (PMID: 19940839).

Literature cited by the submitters: PubMed 19940839.

NC_000006.11:g.(?_51637490)_(51640729_?)del

Gene: PKHD1 (PKHD1 ciliary IPT domain containing fibrocystin/polyductin; minus strand). Cytogenetic location: 6p12.3.
Variant type: Deletion.
Identifiers: ClinVar variation 1457026 (VCV001457026.7).